The following is an entry in ClinVar:

NM_001044.5(SLC6A3):c.1692C>T (p.Ile564=)

Gene: SLC6A3 (solute carrier family 6 member 3). Cytogenetic location: 5p15.33.
Variant type: single nucleotide variant.
Coding change: c.1692C>T on transcript NM_001044.5 (MANE Select); coding-DNA position 1692, C replaced by T.
Protein change: p.Ile564=; no amino-acid change (isoleucine 564 retained).
Molecular consequence: synonymous variant.
Genome position (GRCh38, 1-based): chr5:1,402,997, G>A on the plus strand (C>T on the coding strand, the complement: SLC6A3 is on the minus strand). VCF-style: chr5-1402997-G-A. GRCh37 (hg19) VCF-style: chr5-1403112-G-A.
Identifiers: ClinVar variation 695407 (VCV000695407.38), dbSNP rs28364998, ClinGen allele CA3185947.
Genomic context (GRCh38, chr5:1,402,997, plus strand): 5'-AGGCAGGCTGCAGAACTTGTAGGCCGCATAGATGGGCACCATGGCCATGGAGGATGTGGC[G>A]ATGACCCAGCCCAGCGCGTTGGCCCAGTCGGGGAAGATGTAGGCTCCGTAGTGGGGGGGT-3'
Protein context (NP_001035.1, residues 554-574): PDWANALGWV[Ile564=]ATSSMAMVPI

ClinVar aggregate classification (germline): Benign/Likely benign. Review status: criteria provided, multiple submitters, no conflicts (2 of 4 stars). 5 submissions from 5 submitters: Benign (1); Likely benign (4). Last evaluated 2026-01-28.

Conditions:
Parkinsonism-dystonia, infantile. Identifiers: Orphanet 238455, MedGen C2751067, MONDO:0013150.

Allele frequency attached by ClinVar (database versions not stated): gnomAD exomes 0.00070; ExAC 0.00082; gnomAD 0.00208 and 0.00228; 1000 Genomes Project 30x 0.00219; TOPMed 0.00229; 1000 Genomes Project 0.00240; ESP Exome Variant Server 0.00246.

Submissions (5):

Labcorp Genetics (formerly Invitae), Labcorp
Classification: Benign for Parkinsonism-dystonia, infantile. Last evaluated: 2026-01-28. Review status: criteria provided, single submitter. Criteria: Invitae Variant Classification Sherloc (09022015). Collection method: clinical testing. Allele origin: germline.

Laboratory of Genetics, Children's Clinical University Hospital Latvia
Classification: Likely benign. Last evaluated: 2025-02-16. Review status: criteria provided, single submitter. Criteria: ACMG Guidelines, 2015. Collection method: clinical testing. Allele origin: germline. Affected: yes.

Blueprint Genetics
Classification: Likely benign. Last evaluated: 2024-08-30. Review status: criteria provided, single submitter. Criteria: ACMG Guidelines, 2015. Collection method: clinical testing. Allele origin: germline.

CeGaT Center for Human Genetics Tuebingen
Classification: Likely benign. Last evaluated: 2024-02-01. Review status: criteria provided, single submitter. Criteria: CeGaT Center For Human Genetics Tuebingen Variant Classification Criteria Version 2. Collection method: clinical testing. Allele origin: germline. Affected: yes. Observed: 1 variant allele.
Comment: SLC6A3: BP4, BP7

GeneDx
Classification: Likely benign. Last evaluated: 2019-09-27. Review status: criteria provided, single submitter. Criteria: GeneDx Variant Classification Process June 2021. Collection method: clinical testing. Allele origin: germline. Affected: yes.